The following is an entry in ClinVar:

ClinVar aggregate classification (germline): Uncertain significance (1 of 4 stars; one submission).

Conditions:
Dilated cardiomyopathy 1KK (CMD1KK). Identifiers: Orphanet 154, Orphanet 75249, MedGen C3714995, MONDO:0014100, OMIM 615248.

Submission:

Labcorp Genetics (formerly Invitae), Labcorp
Classification: Uncertain significance for Dilated cardiomyopathy 1KK. Last evaluated: 2022-07-05. Review status: criteria provided, single submitter. Criteria: Invitae Variant Classification Sherloc (09022015). Collection method: clinical testing. Allele origin: germline.
Comment: ClinVar contains an entry for this variant (Variation ID: 1368711). Algorithms developed to predict the effect of missense changes on protein structure and function are either unavailable or do not agree on the potential impact of this missense change (SIFT: "Deleterious"; PolyPhen-2: "Benign"; Align-GVGD: "Class C0"). In summary, the available evidence is currently insufficient to determine the role of this variant in disease. Therefore, it has been classified as a Variant of Uncertain Significance. This sequence change replaces proline, which is neutral and non-polar, with leucine, which is neutral and non-polar, at codon 739 of the MYPN protein (p.Pro739Leu). This variant is not present in population databases (gnomAD no frequency). This variant has not been reported in the literature in individuals affected with MYPN-related conditions.

NM_032578.4(MYPN):c.2216C>T (p.Pro739Leu)

Gene: MYPN (myopalladin; plus strand). Cytogenetic location: 10q21.3.
Variant type: single nucleotide variant.
Coding change: c.2216C>T on transcript NM_032578.4 (MANE Select); coding-DNA position 2216, C replaced by T.
Protein change: p.Pro739Leu; replaces proline 739 with leucine.
Molecular consequence: missense variant. On other transcripts: non-coding transcript variant (2).
Genome position (GRCh38, 1-based): chr10:68,174,308, C>T. VCF-style: chr10-68174308-C-T. GRCh37 (hg19) VCF-style: chr10-69934065-C-T.
Other names: c.2216C>T, p.Pro739Leu (NM_001256267.2); c.1334C>T, p.Pro445Leu (NM_001256268.2); short protein forms P739L, P445L.
Identifiers: ClinVar variation 1368711 (VCV001368711.8), dbSNP rs2134199742, ClinGen allele CA376845434.